The following is an entry in ClinVar:

ClinVar aggregate classification (germline): Uncertain significance (1 of 4 stars; one submission).

Submission:

GeneDx
Classification: Uncertain significance. Last evaluated: 2022-05-11. Review status: criteria provided, single submitter. Criteria: GeneDx Variant Classification Process June 2021. Collection method: clinical testing. Allele origin: germline.
Comment: Not observed at significant frequency in large population cohorts (gnomAD); In silico analysis supports that this missense variant has a deleterious effect on protein structure/function; Has not been previously published as pathogenic or benign to our knowledge

NM_001103146.3(GIGYF2):c.2279A>T (p.Glu760Val)

Gene: GIGYF2 (GRB10 interacting GYF protein 2; plus strand). Cytogenetic location: 2q37.1.
Variant type: single nucleotide variant.
Coding change: c.2279A>T on transcript NM_001103146.3 (MANE Select); coding-DNA position 2279, A replaced by T.
Protein change: p.Glu760Val; replaces glutamic acid 760 with valine.
Molecular consequence: missense variant. On other transcripts: non-coding transcript variant (1).
Genome position (GRCh38, 1-based): chr2:232,816,941, A>T. VCF-style: chr2-232816941-A-T. GRCh37 (hg19) VCF-style: chr2-233681651-A-T.
Other names: c.2342A>T, p.Glu781Val (NM_001103147.2); c.2261A>T, p.Glu754Val (NM_001103148.2); c.2279A>T, p.Glu760Val (NM_015575.4); short protein forms E754V, E760V, E781V.
Identifiers: ClinVar variation 4888136 (VCV004888136.1).
Genomic context (GRCh38, chr2:232,816,941, plus strand): 5'-AGAGAAGAGAGGCAGAAATGAGGGCAAAACGGGAAGAGGAAGAGCGAAAGAGGCAGGAAG[A>T]ACTCCGAAGACAACAGGAGGAAATTCTTCGGCGACAGCAGGAAGAAGAAAGGAAAAGGCG-3'
Protein context (NP_001096616.1, residues 750-770): REEEERKRQE[Glu760Val]LRRQQEEILR